The following is an entry in ClinVar:

ClinVar aggregate classification (germline): Conflicting classifications of pathogenicity. Review status: criteria provided, conflicting classifications (1 of 4 stars). 11 submissions from 11 submitters: Uncertain significance (2); Benign (1); Likely benign (7). 1 of the submissions does not count toward it. Last evaluated 2025-05-19.

Conditions:
CDKN2A-related disorder. Also called: CDKN2A-related condition.
Familial pancreatic carcinoma. Identifiers: Orphanet 1333, MedGen C2931038, MONDO:0015278, OMIM 260350.
Li-Fraumeni syndrome (LFS). Also called: Sarcoma family syndrome of Li and Fraumeni. Identifiers: Orphanet 524, MedGen C0085390, MONDO:0018875.
Familial melanoma. Also called: Hereditary melanoma; Hereditary cutaneous melanoma. Identifiers: Orphanet 618, MedGen C1512419, MONDO:0018961.
Hereditary cancer-predisposing syndrome. Also called: Neoplastic Syndromes, Hereditary; Tumor predisposition; Hereditary Cancer Syndrome; Hereditary neoplastic syndrome. Identifiers: Orphanet 140162, MedGen C0027672, MeSH D009386, MONDO:0015356.
Melanoma-pancreatic cancer syndrome. Identifiers: Orphanet 404560, MedGen C1838547, MONDO:0011713, OMIM 606719. Disease mechanism: loss of function.

Allele frequency attached by ClinVar (database versions not stated): 1000 Genomes Project 30x 0.00016; TOPMed 0.00019; gnomAD exomes 0.00024; gnomAD 0.00029; ExAC 0.00032.
gnomAD v4.1: 508 of 1,565,624 alleles (0.032%); highest among the groups gnomAD compares: Non-Finnish European, 0.039%; no homozygotes.

Submissions (11):

PreventionGenetics, part of Exact Sciences
Classification: Likely benign for CDKN2A-related condition. Last evaluated: 2025-05-19. Review status: criteria provided, single submitter. Criteria: ACMG Guidelines, 2015. Collection method: clinical testing. Allele origin: germline.
Comment: This variant is classified as likely benign based on ACMG/AMP sequence variant interpretation guidelines (Richards et al. 2015 PMID: 25741868, with internal and published modifications).

Center for Genomic Medicine, Rigshospitalet, Copenhagen University Hospital
Classification: Likely benign. Last evaluated: 2025-03-04. Review status: criteria provided, single submitter. Criteria: ACMG Guidelines, 2015. Collection method: clinical testing. Allele origin: germline.

Labcorp Genetics (formerly Invitae), Labcorp
Classification: Likely benign for Familial melanoma. Last evaluated: 2025-01-06. Review status: criteria provided, single submitter. Criteria: Invitae Variant Classification Sherloc (09022015). Collection method: clinical testing. Allele origin: germline.

Blueprint Genetics
Classification: Likely benign. Last evaluated: 2024-08-02. Review status: criteria provided, single submitter. Criteria: ACMG Guidelines, 2015. Collection method: clinical testing. Allele origin: germline.

Department of Pathology and Laboratory Medicine, Sinai Health System
Classification: Likely benign for Li-Fraumeni syndrome; Familial pancreatic carcinoma. Last evaluated: 2023-09-14. Review status: criteria provided, single submitter. Criteria: ACMG Guidelines, 2015. Collection method: clinical testing. Allele origin: germline. Affected: yes.

Myriad Genetics, Inc.
Classification: Uncertain significance for Melanoma-pancreatic cancer syndrome. Last evaluated: 2023-04-20. Review status: criteria provided, single submitter. Criteria: Myriad Autosomal Dominant, Autosomal Recessive and X-Linked Classification Criteria (2023). Collection method: clinical testing. Allele origin: unknown.
Comment: This variant is classified as a variant of uncertain significance as there is insufficient evidence to determine its impact on protein function and/or cancer risk.

Sema4
Classification: Likely benign for Hereditary cancer-predisposing syndrome. Last evaluated: 2021-06-18. Review status: criteria provided, single submitter. Criteria: Sema4 Curation Guidelines. Collection method: curation. Allele origin: germline.

GeneDx
Classification: Likely benign. Last evaluated: 2017-11-29. Review status: criteria provided, single submitter. Criteria: GeneDx Variant Classification (06012015). Collection method: clinical testing. Allele origin: germline. Affected: yes.
Comment: This variant is considered likely benign or benign based on one or more of the following criteria: it is a conservative change, it occurs at a poorly conserved position in the protein, it is predicted to be benign by multiple in silico algorithms, and/or has population frequency not consistent with disease.

Color Diagnostics, LLC DBA Color Health
Classification: Benign for Hereditary cancer-predisposing syndrome. Last evaluated: 2016-08-08. Review status: criteria provided, single submitter. Criteria: ACMG Guidelines, 2015. Collection method: clinical testing. Allele origin: germline.

Ambry Genetics
Classification: Uncertain significance for Hereditary cancer-predisposing syndrome. Last evaluated: 2015-03-25. Review status: criteria provided, single submitter. Criteria: Ambry Variant Classification Scheme 2023. Collection method: clinical testing. Allele origin: germline.
Comment: The c.-14C>T alteration is located in the 5' untranslated region (5'UTR) of the CDKN2A gene. This alteration consists of a C to T substitution nucleotides upstream from the first translated codon. Based on insufficient or conflicting evidence, the clinical significance of this alteration remains unclear.

Counsyl
Classification: Uncertain significance for Melanoma-pancreatic cancer syndrome. Last evaluated: 2016-07-22. Review status: no assertion criteria provided. Collection method: clinical testing. Allele origin: unknown. Not counted in ClinVar's aggregate classification.

Literature cited by the submitters: PubMed 26581427 (cited by 3 submitters); PubMed 25780468 (cited by Sema4 and Counsyl); PubMed 18178632 (cited by Sema4 and Counsyl); PubMed 11156381 (cited by Sema4 and Counsyl); PubMed 25186627 (cited by Sema4 and Counsyl); PubMed 21150883 (cited by Sema4).

NM_000077.5(CDKN2A):c.-14C>T

Genes: CDKN2A (cyclin dependent kinase inhibitor 2A; minus strand), LOC130001603 (ATAC-STARR-seq lymphoblastoid silent region 19811; plus strand). Cytogenetic location: 9p21.3.
Variant type: single nucleotide variant.
Coding change: c.-14C>T on transcript NM_000077.5; 14 bases upstream of the start codon, C replaced by T.
Molecular consequence: 5 prime UTR variant (on NM_001195132.2). On other transcripts: intron variant (2).
Genome position (GRCh38, 1-based): chr9:21,974,841, G>A on the plus strand (C>T on the coding strand, the complement: CDKN2A is on the minus strand). VCF-style: chr9-21974841-G-A. GRCh37 (hg19) VCF-style: chr9-21974840-G-A.
Other names: c.194-3633C>T (NM_058195.3, NM_058195.4); c.-14C>T (NM_000077.6, NM_001195132.2, NM_058197.5); c.-3-3633C>T (NM_001363763.2).
Identifiers: ClinVar variation 221032 (VCV000221032.23), dbSNP rs764244718, ClinGen allele CA349888.